The following is an entry in ClinVar:

ClinVar aggregate classification (germline): Uncertain significance. Review status: criteria provided, multiple submitters, no conflicts (2 of 4 stars). 2 submissions from 2 submitters: Uncertain significance (2). Last evaluated 2025-09-13.

Conditions:
Hereditary cancer-predisposing syndrome. Also called: Tumor predisposition; Hereditary neoplastic syndrome; Neoplastic Syndromes, Hereditary; Hereditary Cancer Syndrome. Identifiers: Orphanet 140162, MedGen C0027672, MeSH D009386, MONDO:0015356.
Hereditary nonpolyposis colorectal neoplasms. Identifiers: MedGen C0009405, MeSH D003123.

Allele frequency attached by ClinVar (database versions not stated): gnomAD below 0.00001 and 0.00001.
gnomAD v4.1: 2 of 1,613,714 alleles (0.00012%); highest among the groups gnomAD compares: South Asian, 0.0022%; no homozygotes.

Submissions (2):

Ambry Genetics
Classification: Uncertain significance for Hereditary cancer-predisposing syndrome. Last evaluated: 2025-09-13. Review status: criteria provided, single submitter. Criteria: Ambry Variant Classification Scheme 2023. Collection method: clinical testing. Allele origin: germline.
Comment: The p.C192S variant (also known as c.575G>C), located in coding exon 6 of the PMS2 gene, results from a G to C substitution at nucleotide position 575. The cysteine at codon 192 is replaced by serine, an amino acid with dissimilar properties. This amino acid position is highly conserved in available vertebrate species. In addition, this alteration is predicted to be deleterious by in silico analysis. Based on the available evidence, the clinical significance of this variant remains unclear.

Labcorp Genetics (formerly Invitae), Labcorp
Classification: Uncertain significance for Hereditary nonpolyposis colorectal neoplasms. Last evaluated: 2024-05-23. Review status: criteria provided, single submitter. Criteria: Invitae Variant Classification Sherloc (09022015). Collection method: clinical testing. Allele origin: germline.
Comment: This sequence change replaces cysteine, which is neutral and slightly polar, with serine, which is neutral and polar, at codon 192 of the PMS2 protein (p.Cys192Ser). This variant is not present in population databases (gnomAD no frequency). This missense change has been observed in individual(s) with pancreatic ductal adenocarcinoma (PMID: 35171259). ClinVar contains an entry for this variant (Variation ID: 953115). Advanced modeling of protein sequence and biophysical properties (such as structural, functional, and spatial information, amino acid conservation, physicochemical variation, residue mobility, and thermodynamic stability) has been performed at Invitae for this missense variant, however the output from this modeling did not meet the statistical confidence thresholds required to predict the impact of this variant on PMS2 protein function. In summary, the available evidence is currently insufficient to determine the role of this variant in disease. Therefore, it has been classified as a Variant of Uncertain Significance.

Literature cited by the submitters: PubMed 35171259 (cited by Labcorp Genetics (formerly Invitae), Labcorp).

NM_000535.7(PMS2):c.575G>C (p.Cys192Ser)

Gene: PMS2 (PMS1 homolog 2, mismatch repair system component; minus strand). Cytogenetic location: 7p22.1.
Variant type: single nucleotide variant.
Coding change: c.575G>C on transcript NM_000535.7 (MANE Select); coding-DNA position 575, G replaced by C.
Protein change: p.Cys192Ser; replaces cysteine 192 with serine.
Molecular consequence: missense variant. On other transcripts: non-coding transcript variant (1), intron variant (3).
Genome position (GRCh38, 1-based): chr7:5,999,238, C>G on the plus strand (G>C on the coding strand, the complement: PMS2 is on the minus strand). VCF-style: chr7-5999238-C-G. GRCh37 (hg19) VCF-style: chr7-6038869-C-G.
Other names: c.170G>C, p.Cys57Ser (NM_001322003.2, NM_001322004.2, NM_001322005.2 and 2 more transcripts); c.575G>C, p.Cys192Ser (NM_001322006.2, NM_001322014.2); c.257G>C, p.Cys86Ser (NM_001322007.2, NM_001322008.2); c.266G>C, p.Cys89Ser (NM_001322015.2); c.133-1815G>C (NM_001322013.2); c.-347-12G>C (NM_001322012.2, NM_001322011.2); short protein forms C86S, C57S, C89S, C192S.
Identifiers: ClinVar variation 953115 (VCV000953115.13), dbSNP rs772404945, ClinGen allele CA366744058.